The following is an entry in ClinVar:

ClinVar aggregate classification (germline): Uncertain significance (1 of 4 stars; one submission).

Submission:

Labcorp Genetics (formerly Invitae), Labcorp
Classification: Uncertain significance. Last evaluated: 2023-06-03. Review status: criteria provided, single submitter. Criteria: Invitae Variant Classification Sherloc (09022015). Collection method: clinical testing. Allele origin: germline.
Comment: In summary, the available evidence is currently insufficient to determine the role of this variant in disease. Therefore, it has been classified as a Variant of Uncertain Significance. Algorithms developed to predict the effect of sequence changes on RNA splicing suggest that this variant may disrupt the consensus splice site. This variant has not been reported in the literature in individuals affected with GGCX-related conditions. This variant is not present in population databases (gnomAD no frequency). This sequence change falls in intron 4 of the GGCX gene. It does not directly change the encoded amino acid sequence of the GGCX protein.

NM_000821.7(GGCX):c.540-13T>G

Gene: GGCX (gamma-glutamyl carboxylase; minus strand). Cytogenetic location: 2p11.2.
Variant type: single nucleotide variant.
Coding change: c.540-13T>G on transcript NM_000821.7 (MANE Select); 13 bases into the intron before coding-DNA position 540, T replaced by G.
Molecular consequence: intron variant.
Genome position (GRCh38, 1-based): chr2:85,556,273, A>C on the plus strand (T>G on the coding strand, the complement: GGCX is on the minus strand). VCF-style: chr2-85556273-A-C. GRCh37 (hg19) VCF-style: chr2-85783396-A-C.
Other names: c.369-13T>G (NM_001142269.4).
Identifiers: ClinVar variation 2763002 (VCV002763002.3), dbSNP rs750894318, ClinGen allele CA2659857257.
Genomic context (GRCh38, chr2:85,556,273, plus strand): 5'-GGCACGTGGGCATTCCTCCTATGGGCATTCAGCAGACCGTCCACAGACCTACACCGAGGG[A>C]GGTAAACATTGAGGGGGGAGCTGCTTAATGCAGCTACATCTCCATCCTTCCTTTTATACA-3'